The following is an entry in ClinVar:

ClinVar aggregate classification (germline): Likely pathogenic (1 of 4 stars; one submission).

Conditions:
Neurodevelopmental disorder with or without anomalies of the brain, eye, or heart (NEDBEH). Identifiers: Orphanet 494344, MedGen C5567477, MONDO:0014857, OMIM 616975.

Submission:

Juno Genomics, Hangzhou Juno Genomics, Inc
Classification: Likely pathogenic for Neurodevelopmental disorder with or without anomalies of the brain, eye, or heart. Review status: criteria provided, single submitter. Criteria: ACMG Guidelines, 2015. Collection method: clinical testing. Allele origin: germline. Affected: yes.
Comment: Absent from controls (or at extremely low frequency if recessive) in Genome Aggregation Database, Exome Sequencing Project, 1000 Genomes Project, or Exome Aggregation Consortium.;Null variant in a gene where loss of function (LOF) is a known mechanism of disease.

NM_001042681.2(RERE):c.613C>T (p.Arg205Ter)

Gene: RERE (arginine-glutamic acid dipeptide repeats; minus strand). Cytogenetic location: 1p36.23.
Variant type: single nucleotide variant.
Coding change: c.613C>T on transcript NM_001042681.2 (MANE Select); coding-DNA position 613, C replaced by T.
Protein change: p.Arg205Ter; replaces arginine 205 with a stop codon.
Molecular consequence: nonsense.
Genome position (GRCh38, 1-based): chr1:8,557,433, G>A on the plus strand (C>T on the coding strand, the complement: RERE is on the minus strand). VCF-style: chr1-8557433-G-A. GRCh37 (hg19) VCF-style: chr1-8617492-G-A.
Other names: c.613C>T, p.Arg205Ter (NM_012102.4); short protein forms R205*.
Identifiers: ClinVar variation 4796535 (VCV004796535.1).
Genomic context (GRCh38, chr1:8,557,433, plus strand): 5'-CCAAAGCTAAGAAACACACAAATCAAACCACAAGGACATATTTACCATTTTCATTATGTC[G>A]ATCCTGAACCAAATGCTGATACACAGAATCTGGAACCTCAGATTGACGGTAGTACCATTT-3'